The following is an entry in ClinVar:

ClinVar aggregate classification (germline): Uncertain significance (1 of 4 stars; one submission).

Conditions:
Idiopathic Pulmonary Fibrosis. Also called: Idiopathic fibrosing alveolitis, chronic form; idiopathic fibrosing alveolitis. Identifiers: Orphanet 2032, MedGen C1800706, MeSH D054990, MONDO:0800504.
Dyskeratosis congenita, autosomal dominant 2. Identifiers: MedGen C3151443, MONDO:0013521, OMIM 613989.

Submission:

Labcorp Genetics (formerly Invitae), Labcorp
Classification: Uncertain significance for Dyskeratosis congenita, autosomal dominant 2; Idiopathic Pulmonary Fibrosis. Last evaluated: 2024-10-07. Review status: criteria provided, single submitter. Criteria: Invitae Variant Classification Sherloc (09022015). Collection method: clinical testing. Allele origin: germline.
Comment: This sequence change replaces glutamic acid, which is acidic and polar, with aspartic acid, which is acidic and polar, at codon 539 of the TERT protein (p.Glu539Asp). This variant is not present in population databases (gnomAD no frequency). This variant has not been reported in the literature in individuals affected with TERT-related conditions. ClinVar contains an entry for this variant (Variation ID: 2115064). Invitae Evidence Modeling of protein sequence and biophysical properties (such as structural, functional, and spatial information, amino acid conservation, physicochemical variation, residue mobility, and thermodynamic stability) indicates that this missense variant is not expected to disrupt TERT protein function with a negative predictive value of 95%. In summary, the available evidence is currently insufficient to determine the role of this variant in disease. Therefore, it has been classified as a Variant of Uncertain Significance.

NM_198253.3(TERT):c.1617G>C (p.Glu539Asp)

Gene: TERT (telomerase reverse transcriptase; minus strand). Cytogenetic location: 5p15.33.
Variant type: single nucleotide variant.
Coding change: c.1617G>C on transcript NM_198253.3 (MANE Select); coding-DNA position 1617, G replaced by C.
Protein change: p.Glu539Asp; replaces glutamic acid 539 with aspartic acid.
Molecular consequence: missense variant. On other transcripts: non-coding transcript variant (2).
Genome position (GRCh38, 1-based): chr5:1,282,581, C>G on the plus strand (G>C on the coding strand, the complement: TERT is on the minus strand). VCF-style: chr5-1282581-C-G. GRCh37 (hg19) VCF-style: chr5-1282696-C-G.
Other names: c.1617G>C, p.Glu539Asp (NM_001193376.3, NM_003219.1); short protein forms E539D.
Identifiers: ClinVar variation 2115064 (VCV002115064.4), dbSNP rs1561205471, ClinGen allele CA359083436.
Genomic context (GRCh38, chr5:1,282,581, plus strand): 5'-AGACCTGAGCAGCTCGACGACGTACACACTCATCAGCCAGTGCAGGAACTTGGCCAGGAT[C>G]TCCTCACGCAGACGGTGCTCTGCGGCCGGAACACAGCCAACCCCTTAAACGAGAAGGACA-3'
Protein context (NP_937983.2, residues 529-549): VPAAEHRLRE[Glu539Asp]ILAKFLHWLM